The following is an entry in ClinVar:

ClinVar aggregate classification (germline): Conflicting classifications of pathogenicity. Review status: criteria provided, conflicting classifications (1 of 4 stars). 3 submissions from 3 submitters: Pathogenic (1); Uncertain significance (2). Last evaluated 2025-11-21.

Conditions:
Hypertrophic cardiomyopathy 2. Also called: TNNT2-Related Familial Hypertrophic Cardiomyopathy. Identifiers: MedGen C1861864, MONDO:0007266, OMIM 115195.
Dilated cardiomyopathy 1D. Identifiers: Orphanet 154, Orphanet 54260, MedGen C1832243, MONDO:0011095, OMIM 601494.
Cardiomyopathy, familial restrictive, 3. Identifiers: Orphanet 75249, MedGen C2676271, MONDO:0012900, OMIM 612422.
Cardiovascular phenotype. Identifiers: MedGen CN230736.

Submissions (3):

Labcorp Genetics (formerly Invitae), Labcorp
Classification: Uncertain significance for Cardiomyopathy, familial restrictive, 3; Hypertrophic cardiomyopathy 2; Dilated cardiomyopathy 1D. Last evaluated: 2025-11-21. Review status: criteria provided, single submitter. Criteria: Invitae Variant Classification Sherloc (09022015). Collection method: clinical testing. Allele origin: germline.
Comment: This sequence change falls in intron 15 of the TNNT2 gene. It does not directly change the encoded amino acid sequence of the TNNT2 protein. It affects a nucleotide within the consensus splice site. This variant is not present in population databases (gnomAD no frequency). This variant has not been reported in the literature in individuals affected with TNNT2-related conditions. ClinVar contains an entry for this variant (Variation ID: 419277). Variants that disrupt the consensus splice site are a relatively common cause of aberrant splicing (PMID: 17576681, 9536098). Algorithms developed to predict the effect of sequence changes on RNA splicing suggest that this variant may disrupt the consensus splice site. In summary, the available evidence is currently insufficient to determine the role of this variant in disease. Therefore, it has been classified as a Variant of Uncertain Significance.

Ambry Genetics
Classification: Uncertain significance for Cardiovascular phenotype. Last evaluated: 2017-11-28. Review status: criteria provided, single submitter. Criteria: Ambry Variant Classification Scheme 2023. Collection method: clinical testing. Allele origin: germline.
Comment: The c.822-2A>C intronic variant results from an A to C substitution two nucleotides upstream from coding exon 16 in the TNNT2 gene. This nucleotide position is highly conserved in available vertebrate species. Using the BDGP and ESEfinder splice site prediction tools, this alteration is predicted to abolish the native splice acceptor site. Alterations that disrupt the canonical splice site are expected to cause aberrant splicing, resulting in an abnormal protein or a transcript that is subject to nonsense-mediated mRNA decay. However, loss of function of TNNT2 has not been clearly established as a mechanism of disease. Since supporting evidence is limited at this time, the clinical significance of this alteration remains unclear.

GeneDx
Classification: Pathogenic. Last evaluated: 2015-06-19. Review status: criteria provided, single submitter. Criteria: GeneDx Variant Classification (06012015). Collection method: clinical testing. Allele origin: germline. Affected: yes.
Comment: Although the c.822-2 A>C substitution has not been reported as a pathogenic variant or as a benignpolymorphism to our knowledge, this variant destroys the canonical splice acceptor site in intron 15 and ispredicted to cause abnormal gene splicing. The variant is predicted to lead to either an abnormal messagethat is subject to nonsense-mediated mRNA decay, or to an abnormal protein product if the message isused for protein translation. Other splice site variants in the TNNT2 gene have been reported in HGMDin association with cardiomyopathy (Stenson P et al., 2014). In summary, c.822-2 A>C in the TNNT2 gene is interpreted as a pathogenic variant.

Literature cited by the submitters: PubMed 17576681 (cited by Labcorp Genetics (formerly Invitae), Labcorp); PubMed 9536098 (cited by Labcorp Genetics (formerly Invitae), Labcorp).

NM_001276345.2(TNNT2):c.852-2A>C

Gene: TNNT2 (troponin T2, cardiac type; minus strand). Cytogenetic location: 1q32.1.
Variant type: single nucleotide variant.
Coding change: c.852-2A>C on transcript NM_001276345.2 (MANE Select); the canonical splice acceptor site of the intron before coding-DNA position 852, A replaced by C.
Molecular consequence: splice acceptor variant.
Genome position (GRCh38, 1-based): chr1:201,359,257, T>G on the plus strand (A>C on the coding strand, the complement: TNNT2 is on the minus strand). VCF-style: chr1-201359257-T-G. GRCh37 (hg19) VCF-style: chr1-201328385-T-G.
Other names: c.813-2A>C (NM_001406727.1, NM_001406726.1, NM_001001431.3); c.822-2A>C (NM_001276347.2, NM_001406724.1, NM_001001430.3); c.804-2A>C (NM_001001432.3); c.807-2A>C (NM_001406728.1); c.819-2A>C (NM_001406725.1); c.723-2A>C (NM_001276346.2); c.843-2A>C (NM_000364.4, NM_001406723.1).
Identifiers: ClinVar variation 419277 (VCV000419277.11), dbSNP rs111692981, ClinGen allele CA16617040.